The following is an entry in ClinVar:

ClinVar aggregate classification (germline): Benign/Likely benign. Review status: criteria provided, multiple submitters, no conflicts (2 of 4 stars). 9 submissions from 6 submitters: Benign (7); Likely benign (2). Last evaluated 2025-11-11.

Conditions:
Congenital myopathy 18. Also called: DIHYDROPYRIDINE RECEPTOR CONGENITAL MYOPATHY; DHPR CONGENITAL MYOPATHY; Myopathy, congenital, due to dihydropyridine receptor defect. Identifiers: MedGen C5830283, MONDO:0859514, OMIM 620246.
Hypokalemic periodic paralysis, type 1. Also called: Hypokalemic Periodic Paralysis Type 1 (AD); HypoPP. Identifiers: Orphanet 681, MedGen C3714580, MONDO:0042979, OMIM 170400.
Malignant hyperthermia, susceptibility to, 5 (MHS5). Also called: CACNA1S-Related Malignant Hyperthermia Susceptibility. Identifiers: Orphanet 423, MedGen C1866077, MONDO:0011163, OMIM 601887.
Thyrotoxic periodic paralysis, susceptibility to, 1 (TTPP1). Identifiers: Orphanet 79102, MedGen C2749982, MONDO:0008570, OMIM 188580.

Allele frequency attached by ClinVar (database versions not stated): gnomAD below 0.00001 and 0.00009; TOPMed 0.00002; gnomAD exomes 0.00004 and 0.00009; ESP Exome Variant Server 0.00008; ExAC 0.00012; 1000 Genomes Project 0.00080; 1000 Genomes Project 30x 0.00094.
gnomAD v4.1: 77 of 1,614,210 alleles (0.0048%); highest among the groups gnomAD compares: South Asian, 0.057%; 1 homozygote.

Submissions (9):

Labcorp Genetics (formerly Invitae), Labcorp
Classification: Likely benign for Hypokalemic periodic paralysis, type 1; Malignant hyperthermia, susceptibility to, 5. Last evaluated: 2025-11-11. Review status: criteria provided, single submitter. Criteria: Invitae Variant Classification Sherloc (09022015). Collection method: clinical testing. Allele origin: germline.

All of Us Research Program, National Institutes of Health
Classification: Benign for Malignant hyperthermia, susceptibility to, 5. Last evaluated: 2023-12-01. Review status: criteria provided, single submitter. Criteria: ACMG Guidelines, 2015. Collection method: clinical testing. Allele origin: germline. Inheritance: Autosomal dominant inheritance. Observed: 5 variant alleles, 5 heterozygotes.
Comment: This study involves interpretation of variants in research participants for the purpose of population health screening. Participant phenotype was not available at the time of variant classification. Additional details can be found in publication PMID: 35346344, PMCID: PMC8962531

Genome-Nilou Lab
Classification: Benign for Malignant hyperthermia, susceptibility to, 5. Last evaluated: 2023-04-11. Review status: criteria provided, single submitter. Criteria: ACMG Guidelines, 2015. Collection method: clinical testing. Allele origin: germline. Affected: no.

Genome-Nilou Lab
Classification: Benign for Thyrotoxic periodic paralysis, susceptibility to, 1. Last evaluated: 2023-04-11. Review status: criteria provided, single submitter. Criteria: ACMG Guidelines, 2015. Collection method: clinical testing. Allele origin: germline. Affected: no.

Genome-Nilou Lab
Classification: Benign for Congenital myopathy 18. Last evaluated: 2023-04-11. Review status: criteria provided, single submitter. Criteria: ACMG Guidelines, 2015. Collection method: clinical testing. Allele origin: germline. Affected: no.

Genome-Nilou Lab
Classification: Benign for Hypokalemic periodic paralysis, type 1. Last evaluated: 2023-04-11. Review status: criteria provided, single submitter. Criteria: ACMG Guidelines, 2015. Collection method: clinical testing. Allele origin: germline. Affected: no.

Color Diagnostics, LLC DBA Color Health
Classification: Benign for Malignant hyperthermia, susceptibility to, 5. Last evaluated: 2023-01-17. Review status: criteria provided, single submitter. Criteria: ACMG Guidelines, 2015. Collection method: clinical testing. Allele origin: germline.

Illumina Laboratory Services, Illumina
Classification: Benign for Hypokalemic periodic paralysis, type 1. Last evaluated: 2018-01-12. Review status: criteria provided, single submitter. Criteria: ICSL Variant Classification Criteria 13 December 2019. Collection method: clinical testing. Allele origin: germline.
Comment: This variant was observed in the ICSL laboratory as part of a predisposition screen in an ostensibly healthy population. It had not been previously curated by ICSL or reported in the Human Gene Mutation Database (HGMD: prior to June 1st, 2018), and was therefore a candidate for classification through an automated scoring system. Utilizing variant allele frequency, disease prevalence and penetrance estimates, and inheritance mode, an automated score was calculated to assess if this variant is too frequent to cause the disease. Based on the score and internal cut-off values, a variant classified as benign is not then subjected to further curation. The score for this variant resulted in a classification of benign for this disease.

Breakthrough Genomics
Classification: Likely benign. Review status: criteria provided, single submitter. Criteria: ACMG Guidelines, 2015. Collection method: not provided. Allele origin: germline. Inheritance: Autosomal dominant inheritance. Affected: yes.

NM_000069.3(CACNA1S):c.1470G>A (p.Gln490=)

Gene: CACNA1S (calcium voltage-gated channel subunit alpha1 S; minus strand). Cytogenetic location: 1q32.1.
Variant type: single nucleotide variant.
Coding change: c.1470G>A on transcript NM_000069.3 (MANE Select); coding-DNA position 1470, G replaced by A.
Protein change: p.Gln490=; no amino-acid change (glutamine 490 retained).
Molecular consequence: synonymous variant.
Genome position (GRCh38, 1-based): chr1:201,078,028, C>T on the plus strand (G>A on the coding strand, the complement: CACNA1S is on the minus strand). VCF-style: chr1-201078028-C-T. GRCh37 (hg19) VCF-style: chr1-201047156-C-T.
Identifiers: ClinVar variation 294764 (VCV000294764.17), dbSNP rs373712202, ClinGen allele CA078256.